The following is an entry in ClinVar:

ClinVar aggregate classification (germline): Uncertain significance (1 of 4 stars; one submission).

Conditions:
PKD1-related disorder. Also called: PKD1-related condition.

gnomAD v4.1: 87 of 1,609,370 alleles (0.0054%); highest among the groups gnomAD compares: Middle Eastern, 0.022%; no homozygotes.

Submission:

PreventionGenetics, part of Exact Sciences
Classification: Uncertain significance for PKD1-related condition. Last evaluated: 2026-05-09. Review status: criteria provided, single submitter. Criteria: ACMG Guidelines, 2015. Collection method: clinical testing. Allele origin: germline.
Comment: The PKD1 c.6814C>T variant is predicted to result in the amino acid substitution p.Arg2272Trp. To our knowledge, this variant has not been reported in the literature. This variant is reported in 0.0033% of alleles in individuals of South Asian descent in gnomAD. At this time, the clinical significance of this variant is uncertain due to the absence of conclusive functional and genetic evidence.

NM_001009944.3(PKD1):c.6814C>T (p.Arg2272Trp)

Gene: PKD1 (polycystin 1, transient receptor potential channel interacting; minus strand). Cytogenetic location: 16p13.3.
Variant type: single nucleotide variant.
Coding change: c.6814C>T on transcript NM_001009944.3 (MANE Select); coding-DNA position 6814, C replaced by T.
Protein change: p.Arg2272Trp; replaces arginine 2272 with tryptophan.
Molecular consequence: missense variant.
Genome position (GRCh38, 1-based): chr16:2,108,353, G>A on the plus strand (C>T on the coding strand, the complement: PKD1 is on the minus strand). VCF-style: chr16-2108353-G-A. GRCh37 (hg19) VCF-style: chr16-2158354-G-A.
Other names: c.6814C>T, p.Arg2272Trp (NM_000296.4); short protein forms R2272W.
Identifiers: ClinVar variation 4981589 (VCV004981589.1).
Genomic context (GRCh38, chr16:2,108,353, plus strand): 5'-TCTGGTCGCCGTCCTCCAGGTTGGGGTCGTAGGACTCGCTCCCATCCAGCACCAGGTCCC[G>A]TGTGTCTGACCACACGCGGTATGAGCCACCCTCAATGATGGGCACCAGGCGCTCGGGGGC-3'
Protein context (NP_001009944.3, residues 2262-2282): GGSYRVWSDT[Arg2272Trp]DLVLDGSESY